The following is an entry in ClinVar:

NM_001206927.2(DNAH8):c.3894G>A (p.Met1298Ile)

Gene: DNAH8 (dynein axonemal heavy chain 8; plus strand). Cytogenetic location: 6p21.2.
Variant type: single nucleotide variant.
Coding change: c.3894G>A on transcript NM_001206927.2 (MANE Select); coding-DNA position 3894, G replaced by A.
Protein change: p.Met1298Ile; replaces methionine 1298 with isoleucine.
Molecular consequence: missense variant.
Genome position (GRCh38, 1-based): chr6:38,826,202, G>A. VCF-style: chr6-38826202-G-A. GRCh37 (hg19) VCF-style: chr6-38793978-G-A.
Other names: c.3894G>A (NM_001206927.1); c.3243G>A, p.Met1081Ile (NM_001371.4); short protein forms M1298I, M1081I.
Identifiers: ClinVar variation 2103179 (VCV002103179.4), dbSNP rs571467371, ClinGen allele CA137555927.

ClinVar aggregate classification (germline): Uncertain significance. Review status: criteria provided, multiple submitters, no conflicts (2 of 4 stars). 2 submissions from 2 submitters: Uncertain significance (2). Last evaluated 2023-07-12.

Conditions:
Primary ciliary dyskinesia. Also called: Ciliary dyskinesia. Identifiers: Orphanet 244, MedGen C0008780, MONDO:0016575, HP:0012265.

Allele frequency attached by ClinVar (database versions not stated): TOPMed 0.00001; gnomAD exomes 0.00002; gnomAD 0.00005.

Submissions (2):

Ambry Genetics
Classification: Uncertain significance. Last evaluated: 2023-07-12. Review status: criteria provided, single submitter. Criteria: Ambry Variant Classification Scheme 2023. Collection method: clinical testing. Allele origin: germline.

Labcorp Genetics (formerly Invitae), Labcorp
Classification: Uncertain significance for Primary ciliary dyskinesia. Last evaluated: 2022-07-03. Review status: criteria provided, single submitter. Criteria: Invitae Variant Classification Sherloc (09022015). Collection method: clinical testing. Allele origin: germline.
Comment: In summary, the available evidence is currently insufficient to determine the role of this variant in disease. Therefore, it has been classified as a Variant of Uncertain Significance. Algorithms developed to predict the effect of missense changes on protein structure and function are either unavailable or do not agree on the potential impact of this missense change (SIFT: "Tolerated"; PolyPhen-2: "Not Available"; Align-GVGD: "Class C0"). This variant has not been reported in the literature in individuals affected with DNAH8-related conditions. This variant is present in population databases (rs571467371, gnomAD 0.002%). This sequence change replaces methionine, which is neutral and non-polar, with isoleucine, which is neutral and non-polar, at codon 1298 of the DNAH8 protein (p.Met1298Ile).